The following is an entry in ClinVar:

ClinVar aggregate classification (germline): Likely benign (1 of 4 stars; one submission).

Conditions:
Ehlers-Danlos syndrome, type 4 (EDSVASC). Also called: Ehlers-Danlos Syndrome Type IV; Ehlers-Danlos syndrome vascular type; Ehlers Danlos syndrome, ecchymotic type; Ehlers Danlos syndrome, arterial type; Ehlers Danlos syndrome, Sack-Barabas type. Identifiers: Orphanet 286, MedGen C0268338, MONDO:0017314, OMIM 130050.

Allele frequency attached by ClinVar (database versions not stated): gnomAD exomes below 0.00001; ExAC 0.00001.
gnomAD v4.1: 2 of 1,614,004 alleles (0.00012%); highest among the groups gnomAD compares: East Asian, 0.0045%; no homozygotes.

Submission:

All of Us Research Program, National Institutes of Health
Classification: Likely benign for Ehlers-Danlos syndrome, type 4. Last evaluated: 2023-07-22. Review status: criteria provided, single submitter. Criteria: ACMG Guidelines, 2015. Collection method: clinical testing. Allele origin: germline. Inheritance: Autosomal dominant inheritance. Observed: 1 variant allele, 1 heterozygote.
Comment: This study involves interpretation of variants in research participants for the purpose of population health screening. Participant phenotype was not available at the time of variant classification. Additional details can be found in publication PMID: 35346344, PMCID: PMC8962531

NM_000090.4(COL3A1):c.2142G>A (p.Gly714=)

Gene: COL3A1 (collagen type III alpha 1 chain; plus strand). Cytogenetic location: 2q32.2.
Variant type: single nucleotide variant.
Coding change: c.2142G>A on transcript NM_000090.4 (MANE Select); coding-DNA position 2142, G replaced by A.
Protein change: p.Gly714=; no amino-acid change (glycine 714 retained).
Molecular consequence: synonymous variant.
Genome position (GRCh38, 1-based): chr2:188,999,490, G>A. VCF-style: chr2-188999490-G-A. GRCh37 (hg19) VCF-style: chr2-189864216-G-A.
Identifiers: ClinVar variation 3072520 (VCV003072520.1), dbSNP rs768760267, ClinGen allele CA075041.